The following is an entry in ClinVar:

ClinVar aggregate classification (germline): Likely benign (1 of 4 stars; one submission).

Allele frequency attached by ClinVar (database versions not stated): 1000 Genomes Project 30x 0.00016; 1000 Genomes Project 0.00020.
gnomAD v4.1: 153 of 1,587,154 alleles (0.0096%); highest among the groups gnomAD compares: Admixed American, 0.034%; 13 homozygotes.

Submission:

CeGaT Center for Human Genetics Tuebingen
Classification: Likely benign. Last evaluated: 2022-03-01. Review status: criteria provided, single submitter. Criteria: CeGaT Center For Human Genetics Tuebingen Variant Classification Criteria Version 2. Collection method: clinical testing. Allele origin: germline. Affected: yes. Observed: 1 variant allele.
Comment: SIRPB1: BP4, BP7

NM_006065.5(SIRPB1):c.384T>C (p.Pro128=)

Gene: SIRPB1 (signal regulatory protein beta 1; minus strand). Cytogenetic location: 20p13.
Variant type: single nucleotide variant.
Coding change: c.384T>C on transcript NM_006065.5 (MANE Select); coding-DNA position 384, T replaced by C.
Protein change: p.Pro128=; no amino-acid change (proline 128 retained).
Molecular consequence: synonymous variant.
Genome position (GRCh38, 1-based): chr20:1,578,387, A>G on the plus strand (T>C on the coding strand, the complement: SIRPB1 is on the minus strand). VCF-style: chr20-1578387-A-G. GRCh37 (hg19) VCF-style: chr20-1559033-A-G.
Other names: c.381T>C, p.Pro127= (NM_001330639.2); c.384T>C, p.Pro128= (NM_001083910.4).
Identifiers: ClinVar variation 2652135 (VCV002652135.24), dbSNP rs142333512, ClinGen allele CA9728898.